The following is an entry in ClinVar:

NM_000492.4(CFTR):c.335A>G (p.Asp112Gly)

Gene: CFTR (CF transmembrane conductance regulator; plus strand). Cytogenetic location: 7q31.2.
Variant type: single nucleotide variant.
Coding change: c.335A>G on transcript NM_000492.4 (MANE Select); coding-DNA position 335, A replaced by G.
Protein change: p.Asp112Gly; replaces aspartic acid 112 with glycine.
Molecular consequence: missense variant.
Genome position (GRCh38, 1-based): chr7:117,530,960, A>G. VCF-style: chr7-117530960-A-G. GRCh37 (hg19) VCF-style: chr7-117171014-A-G.
Other names: short protein forms D112G.
Identifiers: ClinVar variation 811082 (VCV000811082.20), dbSNP rs770241677, ClinGen allele CA4450708.
Genomic context (GRCh38, chr7:117,530,960, plus strand): 5'-AAGTCACCAAAGCAGTACAGCCTCTCTTACTGGGAAGAATCATAGCTTCCTATGACCCGG[A>G]TAACAAGGAGGAACGCTCTATCGCGATTTATCTAGGCATAGGCTTATGCCTTCTCTTTAT-3'
Protein context (NP_000483.3, residues 102-122): LGRIIASYDP[Asp112Gly]NKEERSIAIY

ClinVar aggregate classification (germline): Uncertain significance. Review status: criteria provided, multiple submitters, no conflicts (2 of 4 stars). 6 submissions from 6 submitters: Uncertain significance (4). 2 of the submissions do not count toward it. Last evaluated 2025-03-27.

Conditions:
CFTR-related disorder (CFTR-RD). Also called: CFTR-related condition; CFTR-related disorders. Identifiers: MedGen C5924204, MONDO:7770004.
Cystic fibrosis (CF). Also called: MUCOVISCIDOSIS. Identifiers: Orphanet 586, MedGen C0010674, MONDO:0009061, OMIM 219700. Disease mechanism: loss of function.

Allele frequency attached by ClinVar (database versions not stated): ExAC 0.00001; gnomAD exomes 0.00001 and 0.00002; gnomAD 0.00001; TOPMed 0.00001.
gnomAD v4.1: 8 of 1,613,724 alleles (0.0005%); highest among the groups gnomAD compares: Admixed American, 0.0067%; no homozygotes.

Submissions (6):

Ambry Genetics
Classification: Uncertain significance for Cystic fibrosis. Last evaluated: 2025-03-27. Review status: criteria provided, single submitter. Criteria: Ambry Variant Classification Scheme 2023. Collection method: clinical testing. Allele origin: germline.
Comment: The p.D112G variant (also known as c.335A>G), located in coding exon 4 of the CFTR gene, results from an A to G substitution at nucleotide position 335. The aspartic acid at codon 112 is replaced by glycine, an amino acid with similar properties. This amino acid position is not well conserved in available vertebrate species. In addition, the in silico prediction for this alteration is inconclusive. Based on the available evidence, the clinical significance of this variant remains unclear.

ARUP Laboratories, Molecular Genetics and Genomics, ARUP Laboratories
Classification: Uncertain significance. Last evaluated: 2022-10-11. Review status: criteria provided, single submitter. Criteria: ARUP Molecular Germline Variant Investigation Process 2021. Collection method: clinical testing. Allele origin: germline.
Comment: The CFTR c.335A>G; p.Asp112Gly variant (rs770241677) is reported in the literature in one individual with CFTR-related metabolic syndrome in trans to a CFTR pathogenic frameshift variant (Prach 2013). The p.Asp112Gly variant is found in the Latino population with an allele frequency of 0.012% (4/34468 alleles) in the Genome Aggregation Database. The aspartate at codon 112 is moderately conserved, and computational analyses are uncertain whether this variant is neutral or deleterious (REVEL: 0.496). This variant occurs in CFTR extracellular loop 1, a region affected in some cystic fibrosis patients (see link to CFTR2 database) and implicated in regulating CFTR pore gating (Cui 2014, Infield 2016). However, electrophysiology studies of Xenopus oocytes expressing variant CFTR constructs suggested that another variant in the same codon, p.Asp112Arg, had similar conductance properties to the wildtype protein (Cui 2014). Additional computational analyses (Alamut Visual Plus v1.5.1) predict that the c.335A>G; p.Asp112Gly variant may impact splicing by creating a novel cryptic donor splice site, however, this finding would require studies of the CFTR mRNA to confirm. Due to limited information, the clinical significance of the p.Asp112Gly variant is uncertain at this time. REFERENCES CFTR2 database: Cui G et al. Three charged amino acids in extracellular loop 1 are involved in maintaining the outer pore architecture of CFTR. J Gen Physiol. 2014 Aug;144(2):159-79. PMID: 25024266 Infield DT et al. Positioning of extracellular loop 1 affects pore gating of the cystic fibrosis transmembrane conductance regulator. Am J Physiol Lung Cell Mol Physiol. 2016 Mar 1;310(5):L403-14. PMID: 26684250 Prach L et al. Novel CFTR variants identified during the first 3 years of cystic fibrosis newborn screening in California. J Mol Diagn. 2013 Sep;15(5):710-22. PMID: 23810505

Labcorp Genetics (formerly Invitae), Labcorp
Classification: Uncertain significance for Cystic fibrosis. Last evaluated: 2022-03-14. Review status: criteria provided, single submitter. Criteria: Invitae Variant Classification Sherloc (09022015). Collection method: clinical testing. Allele origin: germline.
Comment: This sequence change replaces aspartic acid, which is acidic and polar, with glycine, which is neutral and non-polar, at codon 112 of the CFTR protein (p.Asp112Gly). This variant is present in population databases (rs770241677, gnomAD 0.01%). This missense change has been observed in individual(s) with CFTR-related metabolic syndrome (CRMS) (PMID: 23810505). ClinVar contains an entry for this variant (Variation ID: 811082). Algorithms developed to predict the effect of missense changes on protein structure and function (SIFT, PolyPhen-2, Align-GVGD) all suggest that this variant is likely to be tolerated. Algorithms developed to predict the effect of sequence changes on RNA splicing suggest that this variant may create or strengthen a splice site. In summary, the available evidence is currently insufficient to determine the role of this variant in disease. Therefore, it has been classified as a Variant of Uncertain Significance.

Genome-Nilou Lab
Classification: Uncertain significance for Cystic fibrosis. Last evaluated: 2021-09-05. Review status: criteria provided, single submitter. Criteria: ACMG Guidelines, 2015. Collection method: clinical testing. Allele origin: germline. Affected: no.

PreventionGenetics, part of Exact Sciences
Classification: Uncertain significance for CFTR-related condition. Last evaluated: 2024-09-24. Review status: no assertion criteria provided. Collection method: clinical testing. Allele origin: germline. Not counted in ClinVar's aggregate classification.
Comment: The CFTR c.335A>G variant is predicted to result in the amino acid substitution p.Asp112Gly. This variant has been reported in the compound heterozygous state with a CFTR truncating variant in an individual with CFTR-related metabolic syndrome (Prach et al. 2013. PubMed ID: 23810505). This variant has also been reported in the heterozygous state, along with variants in other genes, in an individual with congenital neutropenia whose initial presentation was severe dehydration secondary to gastroenteritis; the authors suspect a novel ELANE variant to be the causative variant (Núñez-Núñez et al. 2023. PubMed ID: 37795094). This variant is reported in 0.012% of alleles in individuals of Latino descent in gnomAD. At this time, the clinical significance of this variant is uncertain due to the absence of conclusive functional and genetic evidence.

Natera, Inc.
Classification: Uncertain significance for CFTR-related disorders. Last evaluated: 2018-06-24. Review status: no assertion criteria provided. Collection method: clinical testing. Allele origin: germline. Not counted in ClinVar's aggregate classification.

Literature cited by the submitters: PubMed 23810505 (cited by Labcorp Genetics (formerly Invitae), Labcorp).